The following is an entry in ClinVar:

ClinVar aggregate classification (germline): Pathogenic (1 of 4 stars; one submission).

Conditions:
Intellectual developmental disorder 61. Also called: INTELLECTUAL DEVELOPMENTAL DISORDER, AUTOSOMAL DOMINANT 61; MENTAL RETARDATION, AUTOSOMAL DOMINANT 61. Identifiers: MedGen C5231400, MONDO:0032485, OMIM 618009.

Submission:

Victorian Clinical Genetics Services, Murdoch Childrens Research Institute
Classification: Pathogenic for Intellectual developmental disorder 61. Last evaluated: 2026-04-08. Review status: criteria provided, single submitter. Criteria: ACMG Guidelines, 2015. Collection method: clinical testing. Allele origin: germline. Affected: yes.
Comment: This variant is classified as Pathogenic. Evidence in support of pathogenic classification: Variant is predicted to cause nonsense-mediated decay (NMD) and loss of protein (premature termination codon is located at least 54 nucleotides upstream of the final exon-exon junction); Variant is absent from gnomAD (v2, v3 and v4); Other NMD-predicted variant(s) comparable to the one identified in this case have very strong previous evidence for pathogenicity (DECIPHER). Additional information: This variant is heterozygous; This gene is associated with autosomal dominant disease; This variant has no previous evidence of pathogenicity; No published evidence of segregation with disease has been identified for this variant; No published functional evidence has been identified for this variant; Loss of function is a known mechanism of disease in this gene and is associated with intellectual developmental disorder 61 (MIM#618009); Variants in this gene are known to have variable expressivity (PMID: 29740699); Inheritance information for this variant is not currently available in this individual.

Literature cited by the submitters: PubMed 29740699.

NM_005121.3(MED13):c.2635C>T (p.Gln879Ter)

Gene: MED13 (mediator complex subunit 13; minus strand). Cytogenetic location: 17q23.2.
Variant type: single nucleotide variant.
Coding change: c.2635C>T on transcript NM_005121.3 (MANE Select); coding-DNA position 2635, C replaced by T.
Protein change: p.Gln879Ter; replaces glutamine 879 with a stop codon.
Molecular consequence: nonsense.
Genome position (GRCh38, 1-based): chr17:61,984,707, G>A on the plus strand (C>T on the coding strand, the complement: MED13 is on the minus strand). VCF-style: chr17-61984707-G-A. GRCh37 (hg19) VCF-style: chr17-60062068-G-A.
Other names: short protein forms Q879*.
Identifiers: ClinVar variation 4879651 (VCV004879651.1).